The following is an entry in ClinVar:

NM_001849.4(COL6A2):c.2902A>G (p.Asn968Asp)

Gene: COL6A2 (collagen type VI alpha 2 chain; plus strand). Cytogenetic location: 21q22.3.
Variant type: single nucleotide variant.
Coding change: c.2902A>G on transcript NM_001849.4 (MANE Select); coding-DNA position 2902, A replaced by G.
Protein change: p.Asn968Asp; replaces asparagine 968 with aspartic acid.
Molecular consequence: missense variant.
Genome position (GRCh38, 1-based): chr21:46,132,394, A>G. VCF-style: chr21-46132394-A-G. GRCh37 (hg19) VCF-style: chr21-47552308-A-G.
Other names: short protein forms N968D.
Identifiers: ClinVar variation 4772139 (VCV004772139.1).

ClinVar aggregate classification (germline): Uncertain significance (1 of 4 stars; one submission).

Conditions:
Bethlem myopathy 1A. Also called: Bethlem myopathy 1; Bethlem Muscular Dystrophy; MYOPATHY, BENIGN CONGENITAL, WITH CONTRACTURES. Identifiers: Orphanet 610, MedGen CN029274, MONDO:0024530, OMIM 158810.

gnomAD v4.1: 3 of 1,609,462 alleles (0.00019%); highest among the groups gnomAD compares: Non-Finnish European, 0.00025%; no homozygotes.

Submission:

Labcorp Genetics (formerly Invitae), Labcorp
Classification: Uncertain significance for Bethlem myopathy 1A. Last evaluated: 2025-06-17. Review status: criteria provided, single submitter. Criteria: Invitae Variant Classification Sherloc (09022015). Collection method: clinical testing. Allele origin: germline.
Comment: This sequence change replaces asparagine, which is neutral and polar, with aspartic acid, which is acidic and polar, at codon 968 of the COL6A2 protein (p.Asn968Asp). This variant is not present in population databases (gnomAD no frequency). This variant has not been reported in the literature in individuals affected with COL6A2-related conditions. Invitae Evidence Modeling of protein sequence and biophysical properties (such as structural, functional, and spatial information, amino acid conservation, physicochemical variation, residue mobility, and thermodynamic stability) indicates that this missense variant is not expected to disrupt COL6A2 protein function with a negative predictive value of 80%. In summary, the available evidence is currently insufficient to determine the role of this variant in disease. Therefore, it has been classified as a Variant of Uncertain Significance.